The following is an entry in ClinVar:

ClinVar aggregate classification (germline): Pathogenic (1 of 4 stars; one submission).

Conditions:
Aortic aneurysm, familial thoracic 7 (AAT7). Also called: AORTIC DISSECTION, FAMILIAL, WITH OR WITHOUT AORTIC ANEURYSM. Identifiers: MedGen C3151077, MONDO:0013418, OMIM 613780.

Submission:

Labcorp Genetics (formerly Invitae), Labcorp
Classification: Pathogenic for Aortic aneurysm, familial thoracic 7. Last evaluated: 2024-07-30. Review status: criteria provided, single submitter. Criteria: Invitae Variant Classification Sherloc (09022015). Collection method: clinical testing. Allele origin: germline.
Comment: This sequence change creates a premature translational stop signal (p.Trp1352*) in the MYLK gene. This variant occurs within the aortic-specific isoform of MYLK. Loss-of-function variants in the aortic-specific isoform of MYLK are known to be pathogenic for thoracic aortic dissections (PMID: 21055718). This variant is not present in population databases (gnomAD no frequency). This variant has not been reported in the literature in individuals affected with MYLK-related conditions. For these reasons, this variant has been classified as Pathogenic.

Literature cited by the submitters: PubMed 21055718.

NM_053025.4(MYLK):c.4056G>A (p.Trp1352Ter)

Gene: MYLK (myosin light chain kinase; minus strand). Cytogenetic location: 3q21.1.
Variant type: single nucleotide variant.
Coding change: c.4056G>A on transcript NM_053025.4 (MANE Select); coding-DNA position 4056, G replaced by A.
Protein change: p.Trp1352Ter; replaces tryptophan 1352 with a stop codon.
Molecular consequence: nonsense.
Genome position (GRCh38, 1-based): chr3:123,657,358, C>T on the plus strand (G>A on the coding strand, the complement: MYLK is on the minus strand). VCF-style: chr3-123657358-C-T. GRCh37 (hg19) VCF-style: chr3-123376205-C-T.
Other names: c.3528G>A, p.Trp1176Ter (NM_001321309.2); c.3849G>A, p.Trp1283Ter (NM_053026.4, NM_053028.4); c.4056G>A, p.Trp1352Ter (NM_053027.4); short protein forms W1352*, W1176*, W1283*.
Identifiers: ClinVar variation 3660967 (VCV003660967.2).